The following is an entry in ClinVar:

ClinVar aggregate classification (germline): Uncertain significance. Review status: criteria provided, multiple submitters, no conflicts (2 of 4 stars). 2 submissions from 2 submitters: Uncertain significance (2). Last evaluated 2026-01-26.

gnomAD v4.1: 3 of 1,613,418 alleles (0.00019%); highest among the groups gnomAD compares: African/African-American, 0.004%; no homozygotes.

Submissions (2):

Labcorp Genetics (formerly Invitae), Labcorp
Classification: Uncertain significance. Last evaluated: 2026-01-26. Review status: criteria provided, single submitter. Criteria: Invitae Variant Classification Sherloc (09022015). Collection method: clinical testing. Allele origin: germline.
Comment: This sequence change replaces serine, which is neutral and polar, with tyrosine, which is neutral and polar, at codon 883 of the KIF20A protein (p.Ser883Tyr). This variant is present in population databases (no rsID available, gnomAD 0.02%). This variant has not been reported in the literature in individuals affected with KIF20A-related conditions. An algorithm developed to predict the effect of missense changes on protein structure and function (PolyPhen-2) suggests that this variant is likely to be disruptive. In summary, the available evidence is currently insufficient to determine the role of this variant in disease. Therefore, it has been classified as a Variant of Uncertain Significance.

Ambry Genetics
Classification: Uncertain significance. Last evaluated: 2025-10-18. Review status: criteria provided, single submitter. Criteria: Ambry Variant Classification Scheme 2023. Collection method: clinical testing. Allele origin: germline.

NM_005733.3(KIF20A):c.2648C>A (p.Ser883Tyr)

Gene: KIF20A (kinesin family member 20A; plus strand). Cytogenetic location: 5q31.2.
Variant type: single nucleotide variant.
Coding change: c.2648C>A on transcript NM_005733.3 (MANE Select); coding-DNA position 2648, C replaced by A.
Protein change: p.Ser883Tyr; replaces serine 883 with tyrosine.
Molecular consequence: missense variant.
Genome position (GRCh38, 1-based): chr5:138,187,388, C>A. VCF-style: chr5-138187388-C-A. GRCh37 (hg19) VCF-style: chr5-137523077-C-A.
Other names: short protein forms S883Y.
Identifiers: ClinVar variation 4543707 (VCV004543707.2).
Genomic context (GRCh38, chr5:138,187,388, plus strand): 5'-CAACAGACTGCAGCCCTTATGCCCGGATCCTACGCTCACGGCGTTCCCCTTTACTCAAAT[C>A]TGGGCCTTTTGGCAAAAAGTACTAAGGCTGTGGGGAAAGAGAAGAGCAGTCATGGCCCTG-3'
Protein context (NP_005724.1, residues 873-890): LRSRRSPLLK[Ser883Tyr]GPFGKKY